The following is an entry in ClinVar:

NM_001184.4(ATR):c.4760A>T (p.His1587Leu)

Gene: ATR (ATR checkpoint kinase; minus strand). Cytogenetic location: 3q23.
Variant type: single nucleotide variant.
Coding change: c.4760A>T on transcript NM_001184.4 (MANE Select); coding-DNA position 4760, A replaced by T.
Protein change: p.His1587Leu; replaces histidine 1587 with leucine.
Molecular consequence: missense variant.
Genome position (GRCh38, 1-based): chr3:142,512,352, T>A on the plus strand (A>T on the coding strand, the complement: ATR is on the minus strand). VCF-style: chr3-142512352-T-A. GRCh37 (hg19) VCF-style: chr3-142231194-T-A.
Other names: c.4568A>T, p.His1523Leu (NM_001354579.2); c.4760A>T (NM_001184.3); short protein forms H1587L, H1523L.
Identifiers: ClinVar variation 2728303 (VCV002728303.2), dbSNP rs2032621491, ClinGen allele CA354795406.
Genomic context (GRCh38, chr3:142,512,352, plus strand): 5'-CTGTGTGGACATTTCTCAGCTTTCAGTGCCTGAAATTTGTGCCTTGCCCACTGTGTGAGA[T>A]GGTCAAGCATGGAGAACACAGTCTGTGTACTGAGTTGACACAGATCAGATGCAATGTCTT-3'
Protein context (NP_001175.2, residues 1577-1597): STQTVFSMLD[His1587Leu]LTQWARHKFQ

ClinVar aggregate classification (germline): Uncertain significance. Review status: criteria provided, multiple submitters, no conflicts (2 of 4 stars). 2 submissions from 2 submitters: Uncertain significance (2). Last evaluated 2024-06-21.

Conditions:
Inborn genetic diseases. Identifiers: MedGen C0950123, MeSH D030342.

Allele frequency attached by ClinVar (database versions not stated): gnomAD exomes below 0.00001; gnomAD 0.00001.
gnomAD v4.1: 3 of 1,613,872 alleles (0.00019%); highest among the groups gnomAD compares: Admixed American, 0.005%; no homozygotes.

Submissions (2):

Ambry Genetics
Classification: Uncertain significance for Inborn genetic diseases. Last evaluated: 2024-06-21. Review status: criteria provided, single submitter. Criteria: Ambry Variant Classification Scheme 2023. Collection method: clinical testing. Allele origin: germline.
Comment: The p.H1587L variant (also known as c.4760A>T), located in coding exon 27 of the ATR gene, results from an A to T substitution at nucleotide position 4760. The histidine at codon 1587 is replaced by leucine, an amino acid with similar properties. This amino acid position is conserved. In addition, the in silico prediction for this alteration is inconclusive. Based on the available evidence, the clinical significance of this variant remains unclear.

Labcorp Genetics (formerly Invitae), Labcorp
Classification: Uncertain significance. Last evaluated: 2023-11-17. Review status: criteria provided, single submitter. Criteria: Invitae Variant Classification Sherloc (09022015). Collection method: clinical testing. Allele origin: germline.
Comment: This sequence change replaces histidine, which is basic and polar, with leucine, which is neutral and non-polar, at codon 1587 of the ATR protein (p.His1587Leu). This variant is not present in population databases (gnomAD no frequency). This variant has not been reported in the literature in individuals affected with ATR-related conditions. An algorithm developed to predict the effect of missense changes on protein structure and function (PolyPhen-2) suggests that this variant is likely to be disruptive. In summary, the available evidence is currently insufficient to determine the role of this variant in disease. Therefore, it has been classified as a Variant of Uncertain Significance.